The following is an entry in ClinVar:

ClinVar aggregate classification (germline): Pathogenic. Review status: criteria provided, single submitter (1 of 4 stars). 2 submissions from 2 submitters: Pathogenic (1). 1 of the submissions does not count toward it. Last evaluated 2018-10-19.

Conditions:
Autosomal dominant Robinow syndrome 3. Identifiers: Orphanet 3107, Orphanet 97360, MedGen C4225164, MONDO:0014819, OMIM 616894.

Submissions (2):

GeneDx
Classification: Pathogenic. Last evaluated: 2018-10-19. Review status: criteria provided, single submitter. Criteria: GeneDx Variant Classification (06012015). Collection method: clinical testing. Allele origin: germline. Affected: yes.
Comment: The c.1751_1754delATCG variant in the DVL3 gene has not been reported previously as a pathogenic variant nor as a benign variant, to our knowledge. The c.1751_1754delATCG variant causes a frameshift starting with codon Aspartic acid 584, changes this amino acid to a Glycine residue, and creates a premature Stop codon at position 83 of the new reading frame, denoted p.Asp584GlyfsX83. This variant is predicted to cause loss of normal protein function as the last 133 amino acids are replaced by 82 incorrect amino acids. The c.1751_1754delATCG variant is not observed in large population cohorts (Lek et al., 2016). We interpret c.1751_1754delATCG as a pathogenic variant.

Lupski Lab, Baylor-Hopkins CMG, Baylor College of Medicine
Classification: Pathogenic for Autosomal dominant Robinow syndrome 3. Last evaluated: 2020-02-10. Review status: no assertion criteria provided. Collection method: research. Allele origin: de novo. Affected: yes. Observed: 1 variant allele. Not counted in ClinVar's aggregate classification.

NM_004423.4(DVL3):c.1751_1754del (p.Asp584fs)

Gene: DVL3 (dishevelled segment polarity protein 3; plus strand). Cytogenetic location: 3q27.1.
Variant type: Deletion.
Coding change: c.1751_1754del on transcript NM_004423.4 (MANE Select); coding-DNA positions 1751 to 1754, 4 bases deleted (ATCG; older notation c.1751_1754delATCG).
Protein change: p.Asp584fs; shifts the reading frame from aspartic acid 584.
Molecular consequence: frameshift variant.
Genome position (GRCh38, 1-based): chr3:184,170,355-184,170,358, ATCG deleted; deleting any 4 consecutive bases within chr3:184,170,353-184,170,358 gives the same sequence; the c. name uses the placement nearest the transcript's 3' end. VCF-style (leftmost placement, unchanged base first): chr3-184170352-GCGAT-G. GRCh37 (hg19) VCF-style: chr3-183888140-GCGAT-G.
Other names: c.1751_1754del (NM_004423.3); short protein forms D584fs.
Identifiers: ClinVar variation 817264 (VCV000817264.3), dbSNP rs1577052785, ClinGen allele CA915942977.